The following is an entry in ClinVar:

NM_001205293.3(CACNA1E):c.2757G>A (p.Arg919=)

Gene: CACNA1E (calcium voltage-gated channel subunit alpha1 E; plus strand). Cytogenetic location: 1q25.3.
Variant type: single nucleotide variant.
Coding change: c.2757G>A on transcript NM_001205293.3 (MANE Select); coding-DNA position 2757, G replaced by A.
Protein change: p.Arg919=; no amino-acid change (arginine 919 retained).
Molecular consequence: synonymous variant.
Genome position (GRCh38, 1-based): chr1:181,732,843, G>A. VCF-style: chr1-181732843-G-A. GRCh37 (hg19) VCF-style: chr1-181701979-G-A.
Other names: c.2757G>A, p.Arg919= (NM_000721.4); c.2700G>A, p.Arg900= (NM_001205294.2).
Identifiers: ClinVar variation 1586154 (VCV001586154.21), dbSNP rs749821229, ClinGen allele CA1275390.

ClinVar aggregate classification (germline): Likely benign. Review status: criteria provided, multiple submitters, no conflicts (2 of 4 stars). 2 submissions from 2 submitters: Likely benign (2). Last evaluated 2025-04-14.

Allele frequency attached by ClinVar (database versions not stated): TOPMed 0.00001; ExAC 0.00003; gnomAD exomes 0.00004.
gnomAD v4.1: 10 of 1,613,622 alleles (0.00062%); highest among the groups gnomAD compares: Admixed American, 0.017%; no homozygotes.

Submissions (2):

Labcorp Genetics (formerly Invitae), Labcorp
Classification: Likely benign. Last evaluated: 2025-04-14. Review status: criteria provided, single submitter. Criteria: Invitae Variant Classification Sherloc (09022015). Collection method: clinical testing. Allele origin: germline.

CeGaT Center for Human Genetics Tuebingen
Classification: Likely benign. Last evaluated: 2025-01-01. Review status: criteria provided, single submitter. Criteria: CeGaT Center For Human Genetics Tuebingen Variant Classification Criteria Version 2. Collection method: clinical testing. Allele origin: germline. Affected: yes. Observed: 1 variant allele.
Comment: CACNA1E: BP4, BP7